The following is an entry in ClinVar:

ClinVar aggregate classification (germline): Likely benign. Review status: criteria provided, single submitter (1 of 4 stars). 2 submissions from 2 submitters: Likely benign (1). 1 of the submissions does not count toward it. Last evaluated 2025-08-28.

Conditions:
RAI1-related disorder. Also called: RAI1-related condition.

Allele frequency attached by ClinVar (database versions not stated): gnomAD 0.00001.
gnomAD v4.1: 25 of 1,613,198 alleles (0.0015%); highest among the groups gnomAD compares: East Asian, 0.011%; no homozygotes.

Submissions (2):

Labcorp Genetics (formerly Invitae), Labcorp
Classification: Likely benign. Last evaluated: 2025-08-28. Review status: criteria provided, single submitter. Criteria: Invitae Variant Classification Sherloc (09022015). Collection method: clinical testing. Allele origin: germline.

PreventionGenetics, part of Exact Sciences
Classification: Likely benign for RAI1-related condition. Last evaluated: 2024-06-25. Review status: no assertion criteria provided. Collection method: clinical testing. Allele origin: germline. Not counted in ClinVar's aggregate classification.
Comment: This variant is classified as likely benign based on ACMG/AMP sequence variant interpretation guidelines (Richards et al. 2015 PMID: 25741868, with internal and published modifications).

NM_030665.4(RAI1):c.2751G>A (p.Pro917=)

Gene: RAI1 (retinoic acid induced 1; plus strand). Cytogenetic location: 17p11.2.
Variant type: single nucleotide variant.
Coding change: c.2751G>A on transcript NM_030665.4 (MANE Select); coding-DNA position 2751, G replaced by A.
Protein change: p.Pro917=; no amino-acid change (proline 917 retained).
Molecular consequence: synonymous variant.
Genome position (GRCh38, 1-based): chr17:17,795,699, G>A. VCF-style: chr17-17795699-G-A. GRCh37 (hg19) VCF-style: chr17-17699013-G-A.
Other names: c.2751G>A (NM_030665.3).
Identifiers: ClinVar variation 2746691 (VCV002746691.4), dbSNP rs767980377, ClinGen allele CA288370025.